The following is an entry in ClinVar:

NM_002473.6(MYH9):c.2552A>G (p.Glu851Gly)

Gene: MYH9 (myosin heavy chain 9; minus strand). Cytogenetic location: 22q12.3.
Variant type: single nucleotide variant.
Coding change: c.2552A>G on transcript NM_002473.6 (MANE Select); coding-DNA position 2552, A replaced by G.
Protein change: p.Glu851Gly; replaces glutamic acid 851 with glycine.
Molecular consequence: missense variant.
Genome position (GRCh38, 1-based): chr22:36,301,613, T>C on the plus strand (A>G on the coding strand, the complement: MYH9 is on the minus strand). VCF-style: chr22-36301613-T-C. GRCh37 (hg19) VCF-style: chr22-36697659-T-C.
Other names: short protein forms E851G.
Identifiers: ClinVar variation 4530015 (VCV004530015.1).

ClinVar aggregate classification (germline): Uncertain significance (1 of 4 stars; one submission).

Submission:

GeneDx
Classification: Uncertain significance. Last evaluated: 2025-05-16. Review status: criteria provided, single submitter. Criteria: GeneDx Variant Classification Process June 2021. Collection method: clinical testing. Allele origin: germline. Affected: yes.
Comment: Not observed at significant frequency in large population cohorts (gnomAD); In silico analysis supports that this missense variant has a deleterious effect on protein structure/function; Has not been previously published as pathogenic or benign to our knowledge